The following is an entry in ClinVar:

ClinVar aggregate classification (germline): Uncertain significance. Review status: criteria provided, multiple submitters, no conflicts (2 of 4 stars). 3 submissions from 3 submitters: Uncertain significance (2). 1 of the submissions does not count toward it. Last evaluated 2021-08-27.

Conditions:
Cardiomyopathy (CMYO). Also called: Cardiomyopathies. Identifiers: Orphanet 167848, MedGen C0878544, MONDO:0004994, HP:0001638. Inheritance: Various modes of inheritance.
Becker muscular dystrophy (BMD). Also called: MUSCULAR DYSTROPHY, PSEUDOHYPERTROPHIC PROGRESSIVE, BECKER TYPE; Becker Muscular Dystrophy (BMD). Identifiers: Orphanet 98895, MedGen C0917713, MONDO:0010311, OMIM 300376.
Duchenne muscular dystrophy (DMD). Also called: Duchenne Muscular Dystrophy (DMD); MUSCULAR DYSTROPHY, PSEUDOHYPERTROPHIC PROGRESSIVE, DUCHENNE TYPE. Identifiers: Orphanet 98896, MedGen C0013264, MONDO:0010679, OMIM 310200.
Dystrophin deficiency.

Allele frequency attached by ClinVar (database versions not stated): gnomAD exomes below 0.00001; TOPMed 0.00001.
gnomAD v4.1: 2 of 1,209,155 alleles (0.00017%); highest among the groups gnomAD compares: Non-Finnish European, 0.00022%; no homozygotes.

Submissions (3):

Labcorp Genetics (formerly Invitae), Labcorp
Classification: Uncertain significance for Duchenne muscular dystrophy. Last evaluated: 2021-08-27. Review status: criteria provided, single submitter. Criteria: Invitae Variant Classification Sherloc (09022015). Collection method: clinical testing. Allele origin: germline.
Comment: This sequence change replaces glycine with arginine at codon 2430 of the DMD protein (p.Gly2430Arg). The glycine residue is highly conserved and there is a moderate physicochemical difference between glycine and arginine. This variant is not present in population databases (ExAC no frequency). This variant has not been reported in the literature in individuals affected with DMD-related conditions. ClinVar contains an entry for this variant (Variation ID: 283725). Algorithms developed to predict the effect of missense changes on protein structure and function are either unavailable or do not agree on the potential impact of this missense change (SIFT: "Deleterious"; PolyPhen-2: "Benign"; Align-GVGD: "Class C25"). In summary, the available evidence is currently insufficient to determine the role of this variant in disease. Therefore, it has been classified as a Variant of Uncertain Significance.

Eurofins Ntd Llc (ga)
Classification: Uncertain significance. Last evaluated: 2015-10-22. Review status: criteria provided, single submitter. Criteria: EGL Classification Definitions 2015. Collection method: clinical testing. Allele origin: germline. Observed: 1 variant allele, 1 hemizygote.

Natera, Inc.
Classification: Uncertain significance for Becker muscular dystrophy; Cardiomyopathy; Duchenne muscular dystrophy; Dystrophin deficiency. Last evaluated: 2019-11-13. Review status: no assertion criteria provided. Collection method: clinical testing. Allele origin: germline. Not counted in ClinVar's aggregate classification.

NM_004006.3(DMD):c.7288G>C (p.Gly2430Arg)

Gene: DMD (dystrophin; minus strand). Cytogenetic location: Xp21.1.
Variant type: single nucleotide variant.
Coding change: c.7288G>C on transcript NM_004006.3 (MANE Select); coding-DNA position 7288, G replaced by C.
Protein change: p.Gly2430Arg; replaces glycine 2430 with arginine.
Molecular consequence: missense variant. On other transcripts: 5 prime UTR variant (5).
Genome position (GRCh38, 1-based): chrX:31,819,996, C>G on the plus strand (G>C on the coding strand, the complement: DMD is on the minus strand). VCF-style: chrX-31819996-C-G. GRCh37 (hg19) VCF-style: chrX-31838113-C-G.
Other names: c.7264G>C, p.Gly2422Arg (NM_000109.4); c.7276G>C, p.Gly2426Arg (NM_004009.3); c.6919G>C, p.Gly2307Arg (NM_004010.3); c.3265G>C, p.Gly1089Arg (NM_004011.4); c.3256G>C, p.Gly1086Arg (NM_004012.4); c.-93G>C (NM_004013.3, NM_004020.4, NM_004021.3 and 2 more transcripts); short protein forms G2430R, G1086R, G2426R, G2307R, G2422R, G1089R.
Identifiers: ClinVar variation 283725 (VCV000283725.10), dbSNP rs200078222, ClinGen allele CA10604576.